The following is an entry in ClinVar:

NM_173660.5(DOK7):c.1363G>A (p.Val455Met)

Gene: DOK7 (docking protein 7; plus strand). Cytogenetic location: 4p16.3.
Variant type: single nucleotide variant.
Coding change: c.1363G>A on transcript NM_173660.5 (MANE Select); coding-DNA position 1363, G replaced by A.
Protein change: p.Val455Met; replaces valine 455 with methionine.
Molecular consequence: missense variant. On other transcripts: 3 prime UTR variant (1).
Genome position (GRCh38, 1-based): chr4:3,493,349, G>A. VCF-style: chr4-3493349-G-A. GRCh37 (hg19) VCF-style: chr4-3495076-G-A.
Other names: c.*584G>A (NM_001164673.2); c.433G>A, p.Val145Met (NM_001256896.2); c.1363G>A, p.Val455Met (NM_001301071.2); c.931G>A, p.Val311Met (NM_001363811.2); short protein forms V311M, V145M, V455M.
Identifiers: ClinVar variation 1380915 (VCV001380915.6), dbSNP rs765823074, ClinGen allele CA356117827.

ClinVar aggregate classification (germline): Uncertain significance (1 of 4 stars; one submission).

Conditions:
Fetal akinesia deformation sequence 1 (FADS1). Also called: Fetal akinesia sequence; Pena-Shokeir syndrome type I. Identifiers: Orphanet 994, MedGen C1276035, MONDO:0100101, OMIM 208150, HP:0001989.
Congenital myasthenic syndrome 10. Also called: Myasthenia, limb-girdle, familial. Identifiers: Orphanet 590, MedGen C1850792, MONDO:0009690, OMIM 254300.

Submission:

Labcorp Genetics (formerly Invitae), Labcorp
Classification: Uncertain significance for Congenital myasthenic syndrome 10; Fetal akinesia deformation sequence 1. Last evaluated: 2022-07-26. Review status: criteria provided, single submitter. Criteria: Invitae Variant Classification Sherloc (09022015). Collection method: clinical testing. Allele origin: germline.
Comment: In summary, the available evidence is currently insufficient to determine the role of this variant in disease. Therefore, it has been classified as a Variant of Uncertain Significance. Algorithms developed to predict the effect of missense changes on protein structure and function (SIFT, PolyPhen-2, Align-GVGD) all suggest that this variant is likely to be tolerated. ClinVar contains an entry for this variant (Variation ID: 1380915). This variant has not been reported in the literature in individuals affected with DOK7-related conditions. This variant is not present in population databases (gnomAD no frequency). This sequence change replaces valine, which is neutral and non-polar, with methionine, which is neutral and non-polar, at codon 455 of the DOK7 protein (p.Val455Met).